The following is an entry in ClinVar:

NM_001134831.2(AHI1):c.1906A>G (p.Ile636Val)

Gene: AHI1 (Abelson helper integration site 1; minus strand). Cytogenetic location: 6q23.3.
Variant type: single nucleotide variant.
Coding change: c.1906A>G on transcript NM_001134831.2 (MANE Select); coding-DNA position 1906, A replaced by G.
Protein change: p.Ile636Val; replaces isoleucine 636 with valine.
Molecular consequence: missense variant.
Genome position (GRCh38, 1-based): chr6:135,442,588, T>C on the plus strand (A>G on the coding strand, the complement: AHI1 is on the minus strand). VCF-style: chr6-135442588-T-C. GRCh37 (hg19) VCF-style: chr6-135763726-T-C.
Other names: c.1906A>G, p.Ile636Val (NM_001134830.2, NM_001134832.2, NM_001350503.2 and 2 more transcripts); short protein forms I636V.
Identifiers: ClinVar variation 2140537 (VCV002140537.1), dbSNP rs1180334685, ClinGen allele CA365744425.

ClinVar aggregate classification (germline): Uncertain significance (1 of 4 stars; one submission).

Conditions:
Joubert syndrome. Also called: CEREBELLOPARENCHYMAL DISORDER IV; JOUBERT-BOLTSHAUSER SYNDROME; Familial aplasia of the vermis. Identifiers: Orphanet 475, MedGen C5979921, MONDO:0018772.

Allele frequency attached by ClinVar (database versions not stated): gnomAD exomes below 0.00001.
gnomAD v4.1: 1 of 1,607,768 alleles (0.000062%); highest among the groups gnomAD compares: Non-Finnish European, 0.000085%; no homozygotes.

Submission:

Labcorp Genetics (formerly Invitae), Labcorp
Classification: Uncertain significance for Joubert syndrome. Last evaluated: 2022-04-24. Review status: criteria provided, single submitter. Criteria: Invitae Variant Classification Sherloc (09022015). Collection method: clinical testing. Allele origin: germline.
Comment: This sequence change replaces isoleucine, which is neutral and non-polar, with valine, which is neutral and non-polar, at codon 636 of the AHI1 protein (p.Ile636Val). This variant is not present in population databases (gnomAD no frequency). This variant has not been reported in the literature in individuals affected with AHI1-related conditions. Advanced modeling of protein sequence and biophysical properties (such as structural, functional, and spatial information, amino acid conservation, physicochemical variation, residue mobility, and thermodynamic stability) performed at Invitae indicates that this missense variant is not expected to disrupt AHI1 protein function. In summary, the available evidence is currently insufficient to determine the role of this variant in disease. Therefore, it has been classified as a Variant of Uncertain Significance.